The following is an entry in ClinVar:

NM_019842.4(KCNQ5):c.7C>A (p.Arg3Ser)

Genes: KCNQ5 (potassium voltage-gated channel subfamily Q member 5; plus strand), KCNQ5-DT (KCNQ5 divergent transcript; minus strand), LOC129996711 (ATAC-STARR-seq lymphoblastoid silent region 17329; plus strand). Cytogenetic location: 6q13.
Variant type: single nucleotide variant.
Coding change: c.7C>A on transcript NM_019842.4 (MANE Select); coding-DNA position 7, C replaced by A.
Protein change: p.Arg3Ser; replaces arginine 3 with serine.
Molecular consequence: missense variant.
Genome position (GRCh38, 1-based): chr6:72,622,196, C>A. VCF-style: chr6-72622196-C-A. GRCh37 (hg19) VCF-style: chr6-73331924-C-A.
Other names: c.7C>A, p.Arg3Ser (NM_001160130.2, NM_001160132.2, NM_001160133.2 and 1 more transcripts); c.7C>A (NM_001160133.1); short protein forms R3S.
Identifiers: ClinVar variation 932587 (VCV000932587.50), dbSNP rs549110435, ClinGen allele CA141452098.
Genomic context (GRCh38, chr6:72,622,196, plus strand): 5'-CGCTGCCCCCGCCGCAGGCGCTGGCGGCCCCCTCGCGGTGCCCGTGGTGATGCCATGCCC[C>A]GCCACCACGCGGGAGGAGAGGAGGGCGGCGCCGCCGGGCTCTGGGTGAAGAGCGGCGCAG-3'
Protein context (NP_062816.2, residues 1-13): MP[Arg3Ser]HHAGGEEGGA

ClinVar aggregate classification (germline): Conflicting classifications of pathogenicity. Review status: criteria provided, conflicting classifications (1 of 4 stars). 8 submissions from 8 submitters: Uncertain significance (6); Benign (1). 1 of the submissions does not count toward it. Last evaluated 2026-01-13.

Conditions:
Inborn genetic diseases. Identifiers: MedGen C0950123, MeSH D030342.
Cleft palate. Identifiers: Orphanet 2014, MedGen C2981150, MONDO:0016064, HP:0000175.
Intellectual disability. Also called: Intellectual functioning disability; Intellectual developmental disorder; intellectual disabilities. Identifiers: MedGen C3714756, MeSH D008607, MONDO:0001071, HP:0001249.
Intellectual developmental disorder, autosomal dominant 46. Also called: Intellectual disability, autosomal dominant 46; MENTAL RETARDATION, AUTOSOMAL DOMINANT 46. Identifiers: MedGen C4539851, MONDO:0030911, OMIM 617601.

Allele frequency attached by ClinVar (database versions not stated): 1000 Genomes Project 30x 0.00016; 1000 Genomes Project 0.00020; TOPMed 0.00015; gnomAD exomes 0.00036.
gnomAD v4.1: 399 of 1,225,258 alleles (0.033%); highest among the groups gnomAD compares: Non-Finnish European, 0.038%; no homozygotes.

Submissions (8):

Labcorp Genetics (formerly Invitae), Labcorp
Classification: Benign. Last evaluated: 2026-01-13. Review status: criteria provided, single submitter. Criteria: Invitae Variant Classification Sherloc (09022015). Collection method: clinical testing. Allele origin: germline.

Blueprint Genetics
Classification: Uncertain significance. Last evaluated: 2024-10-30. Review status: criteria provided, single submitter. Criteria: ACMG Guidelines, 2015. Collection method: clinical testing. Allele origin: germline.

CeGaT Center for Human Genetics Tuebingen
Classification: Uncertain significance. Last evaluated: 2024-05-01. Review status: criteria provided, single submitter. Criteria: CeGaT Center For Human Genetics Tuebingen Variant Classification Criteria Version 2. Collection method: clinical testing. Allele origin: germline. Affected: yes. Observed: 2 variant alleles.
Comment: KCNQ5: PP2, PP3

Institute for Clinical Genetics, University Hospital TU Dresden, University Hospital TU Dresden
Classification: Uncertain significance. Last evaluated: 2023-03-31. Review status: criteria provided, single submitter. Criteria: ACMG Guidelines, 2015. Collection method: clinical testing. Allele origin: paternal.

Ambry Genetics
Classification: Uncertain significance for Inborn genetic diseases. Last evaluated: 2022-10-18. Review status: criteria provided, single submitter. Criteria: Ambry Variant Classification Scheme 2023. Collection method: clinical testing. Allele origin: germline.

Laboratory of Medical Genetics, National & Kapodistrian University of Athens
Classification: Uncertain significance for Intellectual developmental disorder, autosomal dominant 46. Last evaluated: 2021-10-06. Review status: criteria provided, single submitter. Criteria: ACMG Guidelines, 2015. Collection method: clinical testing. Allele origin: paternal. Affected: yes.
Comment: PM2, PP2, PP3

Cambridge Genomics Laboratory, East Genomic Laboratory Hub, NHS Genomic Medicine Service
Classification: Uncertain significance for Cleft palate. Last evaluated: 2020-07-13. Review status: criteria provided, single submitter. Criteria: ACGS Best Practice Guidelines for Variant Classification in Rare Disease 2020. Collection method: clinical testing. Allele origin: germline. Affected: yes. Observed: 1 variant allele.

Centre de Biologie Pathologie Génétique, Centre Hospitalier Universitaire de Lille
Classification: Likely benign for Intellectual disability. Last evaluated: 2019-01-01. Review status: no assertion criteria provided. Collection method: clinical testing. Allele origin: inherited. Affected: yes. Not counted in ClinVar's aggregate classification.